The following is an entry in ClinVar:

ClinVar aggregate classification (germline): Uncertain significance. Review status: criteria provided, multiple submitters, no conflicts (2 of 4 stars). 3 submissions from 3 submitters: Uncertain significance (3). Last evaluated 2024-12-27.

Conditions:
COL4A3-related disorder. Also called: COL4A3-Related Disorders; COL4A3-related condition.

gnomAD v4.1: 2 of 1,614,168 alleles (0.00012%); no homozygotes.

Submissions (3):

PreventionGenetics, part of Exact Sciences
Classification: Uncertain significance for COL4A3-related condition. Last evaluated: 2024-12-27. Review status: criteria provided, single submitter. Criteria: ACMG Guidelines, 2015. Collection method: clinical testing. Allele origin: germline.
Comment: The COL4A3 c.4403A>T variant is predicted to result in the amino acid substitution p.Tyr1468Phe. To our knowledge, this variant has not been reported in the literature or in a large population database (gnomAD), indicating this variant is rare. At this time, the clinical significance of this variant is uncertain due to the absence of conclusive functional and genetic evidence.

Labcorp Genetics (formerly Invitae), Labcorp
Classification: Uncertain significance. Last evaluated: 2022-07-06. Review status: criteria provided, single submitter. Criteria: Invitae Variant Classification Sherloc (09022015). Collection method: clinical testing. Allele origin: germline.
Comment: This sequence change replaces tyrosine, which is neutral and polar, with phenylalanine, which is neutral and non-polar, at codon 1468 of the COL4A3 protein (p.Tyr1468Phe). This variant is not present in population databases (gnomAD no frequency). This variant has not been reported in the literature in individuals affected with COL4A3-related conditions. ClinVar contains an entry for this variant (Variation ID: 1397227). Advanced modeling of protein sequence and biophysical properties (such as structural, functional, and spatial information, amino acid conservation, physicochemical variation, residue mobility, and thermodynamic stability) performed at Invitae indicates that this missense variant is not expected to disrupt COL4A3 protein function. In summary, the available evidence is currently insufficient to determine the role of this variant in disease. Therefore, it has been classified as a Variant of Uncertain Significance.

Blueprint Genetics
Classification: Uncertain significance. Last evaluated: 2021-10-15. Review status: criteria provided, single submitter. Criteria: ACMG Guidelines, 2015. Collection method: clinical testing. Allele origin: germline.

NM_000091.5(COL4A3):c.4403A>T (p.Tyr1468Phe)

Genes: COL4A3 (collagen type IV alpha 3 chain; plus strand), MFF-DT (MFF divergent transcript; minus strand). Cytogenetic location: 2q36.3.
Variant type: single nucleotide variant.
Coding change: c.4403A>T on transcript NM_000091.5 (MANE Select); coding-DNA position 4403, A replaced by T.
Protein change: p.Tyr1468Phe; replaces tyrosine 1468 with phenylalanine.
Molecular consequence: missense variant.
Genome position (GRCh38, 1-based): chr2:227,307,860, A>T. VCF-style: chr2-227307860-A-T. GRCh37 (hg19) VCF-style: chr2-228172576-A-T.
Other names: c.4403A>T (NM_000091.4); short protein forms Y1468F.
Identifiers: ClinVar variation 1397227 (VCV001397227.7), dbSNP rs2106284497, ClinGen allele CA350864411.